The following is an entry in ClinVar:

ClinVar aggregate classification (germline): Uncertain significance. Review status: criteria provided, multiple submitters, no conflicts (2 of 4 stars). 8 submissions from 8 submitters: Uncertain significance (8). Last evaluated 2025-06-26.

Conditions:
Infantile neuroaxonal dystrophy (NBIA2A). Also called: NEURODEGENERATION WITH BRAIN IRON ACCUMULATION 2A; Infantile neuroaxonal dystrophy 1; SEITELBERGER DISEASE. Identifiers: Orphanet 35069, MedGen C0270724, MONDO:0024457, OMIM 256600.
PLA2G6-associated neurodegeneration (PLAN). Also called: phospholipase A2-associated neurodegeneration. Identifiers: Orphanet 329303, MedGen CN204472, MONDO:0017998.

Allele frequency attached by ClinVar (database versions not stated): TOPMed 0.00007; ESP Exome Variant Server 0.00008.
gnomAD v4.1: 85 of 1,557,038 alleles (0.0055%); highest among the groups gnomAD compares: East Asian, 0.0097%; no homozygotes.

Submissions (8):

Mayo Clinic Laboratories, Mayo Clinic
Classification: Uncertain significance. Last evaluated: 2025-06-26. Review status: criteria provided, single submitter. Criteria: ACMG Guidelines, 2015. Collection method: clinical testing. Allele origin: germline. Observed: 1 variant allele.
Comment: BP4, PM2_supporting, PM5

GeneDx
Classification: Uncertain significance. Last evaluated: 2025-06-18. Review status: criteria provided, single submitter. Criteria: GeneDx Variant Classification Process June 2021. Collection method: clinical testing. Allele origin: germline. Affected: yes.
Comment: Identified in the single heterozygous state, without a second PLA2G6 variant identified, in patients with Parkinson's disease (PMID: 21368765, 32771225); Reported as a de novo variant in a patient with a neurodevelopmental disorder; additional de novo variants in other genes were reported (PMID: 33057194); Not observed at significant frequency in large population cohorts (gnomAD); In silico analysis suggests that this missense variant does not alter protein structure/function; This variant is associated with the following publications: (PMID: 22213678, 23182313, 32771225, 33057194, 21368765, 35982159)

CeGaT Center for Human Genetics Tuebingen
Classification: Uncertain significance. Last evaluated: 2024-07-01. Review status: criteria provided, single submitter. Criteria: CeGaT Center For Human Genetics Tuebingen Variant Classification Criteria Version 2. Collection method: clinical testing. Allele origin: germline. Affected: yes. Observed: 2 variant alleles.
Comment: PLA2G6: PM2, PM5, BP4

Genomic Research Center, Shahid Beheshti University of Medical Sciences
Classification: Uncertain significance for Infantile neuroaxonal dystrophy. Last evaluated: 2023-12-30. Review status: criteria provided, single submitter. Criteria: ACMG Guidelines, 2015. Collection method: clinical testing. Allele origin: inherited. Affected: yes.

Women's Health and Genetics/Laboratory Corporation of America, LabCorp
Classification: Uncertain significance. Last evaluated: 2023-12-15. Review status: criteria provided, single submitter. Criteria: LabCorp Variant Classification Summary - May 2015. Collection method: clinical testing. Allele origin: germline.
Comment: Variant summary: PLA2G6 c.991G>A (p.Asp331Asn) results in a conservative amino acid change located in the Ankyrin repeat (IPR002110) of the encoded protein sequence. Four of five in-silico tools predict a benign effect of the variant on protein function. The variant allele was found at a frequency of 3.6e-05 in 164594 control chromosomes (gnomAD). The available data on variant occurrences in the general population are insufficient to allow any conclusion about variant significance. c.991G>A has been reported in the literature in at least one individual affected with Parkinson's disease (Tomiyama_2011, Daida_2021). These report(s) do not provide unequivocal conclusions about association of the variant with disease. To our knowledge, no experimental evidence demonstrating an impact on protein function has been reported. The following publications have been ascertained in the context of this evaluation (PMID: 32771225, 21368765). Six clinical diagnostic laboratories have submitted clinical-significance assessments for this variant to ClinVar after 2014, and classified the variant as uncertain significance (n=5) and as pathogenic (n=1). Based on the evidence outlined above, the variant was classified as uncertain significance.

Broad Center for Mendelian Genomics, Broad Institute of MIT and Harvard
Classification: Uncertain significance for PLA2G6-associated neurodegeneration. Last evaluated: 2023-01-24. Review status: criteria provided, single submitter. Criteria: ACMG Guidelines, 2015. Collection method: curation. Allele origin: germline. Inheritance: Autosomal recessive inheritance.
Comment: The p.Asp331Asn variant in PLA2G6 has not been previously reported in the literature in individuals with PLA2G6-associated neurodegeneration but has been identified in 0.009% (7/81550) of European (non-Finnish) chromosomes by the Genome Aggregation Database (gnomAD; dbSNP ID: rs199935023). Although this variant has been seen in the general population in a heterozygous state, its frequency is low enough to be consistent with a recessive carrier frequency. This variant has also been reported in ClinVar (Variation ID#: 522939) and has been interpreted as pathogenic by Genomic Research Center (Shahid Beheshti University of Medical Sciences) and as a variant of uncertain significance by Invitae, CeGaT Center for Human Genetics Tuebingen, and Illumina Laboratory Services (Illumina). Computational prediction tools, including splice predictors, and conservation analyses suggest that this variant may not impact the protein, though this information is not predictive enough to rule out pathogenicity. One additional pathogenic variant, resulting in a different amino acid change at the same position, p.Asp331Tyr, has been reported in association with disease in the literature and ClinVar, supporting that a change at this position may not be tolerated (PMID: 29454663, 31196701, 22213678/Variation ID: 30371). In summary, the clinical significance of the p.Asp331Asn variant is uncertain. ACMG/AMP Criteria applied: BP4, PM2_supporting, PM5 (Richards 2015).

Labcorp Genetics (formerly Invitae), Labcorp
Classification: Uncertain significance for Infantile neuroaxonal dystrophy. Last evaluated: 2021-08-24. Review status: criteria provided, single submitter. Criteria: Invitae Variant Classification Sherloc (09022015). Collection method: clinical testing. Allele origin: germline.
Comment: This sequence change replaces aspartic acid with asparagine at codon 331 of the PLA2G6 protein (p.Asp331Asn). The aspartic acid residue is moderately conserved and there is a small physicochemical difference between aspartic acid and asparagine. This variant is present in population databases (rs199935023, ExAC 0.01%). This missense change has been observed in individual(s) with Parkinson disease (PMID: 21368765). Algorithms developed to predict the effect of missense changes on protein structure and function are either unavailable or do not agree on the potential impact of this missense change (SIFT: "Tolerated"; PolyPhen-2: "Possibly Damaging"; Align-GVGD: "Class C0"). In summary, the available evidence is currently insufficient to determine the role of this variant in disease. Therefore, it has been classified as a Variant of Uncertain Significance.

Illumina Laboratory Services, Illumina
Classification: Uncertain significance for PLA2G6-associated neurodegeneration. Last evaluated: 2017-09-05. Review status: criteria provided, single submitter. Criteria: ICSL Variant Classification Criteria 13 December 2019. Collection method: clinical testing. Allele origin: germline.
Comment: This variant was observed as part of a predisposition screen in an ostensibly healthy population. A literature search was performed for the gene, cDNA change, and amino acid change (where applicable). Publications were found based on this search. However, the evidence from the literature, in combination with allele frequency data from public databases where available, was not sufficient to rule this variant in or out of causing disease. Therefore, this variant is classified as a variant of unknown significance.

Literature cited by the submitters: PubMed 21368765 (cited by 4 submitters); PubMed 32771225 (cited by Mayo Clinic Laboratories, Mayo Clinic and Women's Health and Genetics/Laboratory Corporation of America, LabCorp); PubMed 33057194 (cited by Mayo Clinic Laboratories, Mayo Clinic); PubMed 35982159 (cited by Mayo Clinic Laboratories, Mayo Clinic); PubMed 21700586 (cited by Illumina Laboratory Services, Illumina); PubMed 25660576 (cited by Illumina Laboratory Services, Illumina); PubMed 22213678 (cited by Illumina Laboratory Services, Illumina).

NM_003560.4(PLA2G6):c.991G>A (p.Asp331Asn)

Gene: PLA2G6 (phospholipase A2 group VI; minus strand). Cytogenetic location: 22q13.1.
Variant type: single nucleotide variant.
Coding change: c.991G>A on transcript NM_003560.4 (MANE Select); coding-DNA position 991, G replaced by A.
Protein change: p.Asp331Asn; replaces aspartic acid 331 with asparagine.
Molecular consequence: missense variant.
Genome position (GRCh38, 1-based): chr22:38,132,917, C>T on the plus strand (G>A on the coding strand, the complement: PLA2G6 is on the minus strand). VCF-style: chr22-38132917-C-T. GRCh37 (hg19) VCF-style: chr22-38528924-C-T.
Other names: NM_003560.4(PLA2G6):c.991G>A; p.Asp331Asn; c.991G>A, p.Asp331Asn (NM_001004426.3, NM_001199562.3, NM_001349864.2 and 2 more transcripts); c.457G>A, p.Asp153Asn (NM_001349867.2, NM_001349869.2); c.313G>A, p.Asp105Asn (NM_001349868.2); short protein forms D331N, D105N, D153N.
Identifiers: ClinVar variation 522939 (VCV000522939.60), dbSNP rs199935023, ClinGen allele CA10231076.
Genomic context (GRCh38, chr22:38,132,917, plus strand): 5'-TGCCGTGCTCTCCGCGGGCATCCGCGTTGGCCCCGTGGGTCAGCAGCACTATGGCACAGT[C>T]GAAGCGGTTGCGCATCACCGCCACGTGCAGGGCCGTGTTCCCCGCGGAGCTGGTGCTGTT-3'
Protein context (NP_003551.2, residues 321-341): LHVAVMRNRF[Asp331Asn]CAIVLLTHGA